The following is an entry in ClinVar:

NM_000277.3(PAH):c.1199+1G>A

Gene: PAH (phenylalanine hydroxylase; minus strand). Cytogenetic location: 12q23.2.
Variant type: single nucleotide variant.
Coding change: c.1199+1G>A on transcript NM_000277.3 (MANE Select); the canonical splice donor site of the intron after coding-DNA position 1199, G replaced by A.
Molecular consequence: splice donor variant.
Genome position (GRCh38, 1-based): chr12:102,843,645, C>T on the plus strand (G>A on the coding strand, the complement: PAH is on the minus strand). VCF-style: chr12-102843645-C-T. GRCh37 (hg19) VCF-style: chr12-103237423-C-T.
Other names: c.1199+1G>A (NM_001354304.2).
Identifiers: ClinVar variation 102556 (VCV000102556.14), dbSNP rs62509015, ClinGen allele CA229385.

ClinVar aggregate classification (germline): Pathogenic. Review status: reviewed by expert panel (3 of 4 stars). 7 submissions from 7 submitters: Pathogenic (1). 6 of the submissions do not count toward it. Last evaluated 2020-10-15.

Conditions:
PAH-related disorder. Also called: PAH-related condition.
Phenylketonuria (PKU). Also called: Phenylketonuria (PKU); FOLLING DISEASE; OLIGOPHRENIA PHENYLPYRUVICA; Phenylketonurias. Identifiers: Orphanet 716, MedGen C0031485, MONDO:0009861, OMIM 261600. Disease mechanism: loss of function.

gnomAD v4.1: 1 of 1,613,600 alleles (0.000062%); highest among the groups gnomAD compares: Non-Finnish European, 0.000085%; no homozygotes.

Submissions (7):

ClinGen PAH Variant Curation Expert Panel
Classification: Pathogenic for Phenylketonuria. Last evaluated: 2020-10-15. Review status: reviewed by expert panel. Criteria: ClinGen PAH ACMG Specifications v1. Collection method: curation. Allele origin: germline. Inheritance: Autosomal recessive inheritance.
Comment: This variant is present in European (non-Finnish) populations at an extremely low frequency in gnomAD (MAF: 0.00001). This variant in the +1 splice donor site results in exon skipping, which disrupts the reading frame and is predicted to undergo nonsense mediated decay. The exon is present in biologically-relevant transcripts. In summary, this variant meets criteria to be classified as pathogenic for PAH. PAH-specific ACMG/AMP criteria applied: PVS1, PM2, PP4.

Labcorp Genetics (formerly Invitae), Labcorp
Classification: Pathogenic for Phenylketonuria. Last evaluated: 2025-03-24. Review status: criteria provided, single submitter. Criteria: Invitae Variant Classification Sherloc (09022015). Collection method: clinical testing. Allele origin: germline. Not counted in ClinVar's aggregate classification.
Comment: This sequence change affects a donor splice site in intron 11 of the PAH gene. It is expected to disrupt RNA splicing. Variants that disrupt the donor or acceptor splice site typically lead to a loss of protein function (PMID: 16199547), and loss-of-function variants in PAH are known to be pathogenic (PMID: 1301187, 9634518). This variant is present in population databases (rs62509015, gnomAD 0.0009%). Disruption of this splice site has been observed in individual(s) with phenylketonuria (PMID: 9634518, 30159852; internal data). ClinVar contains an entry for this variant (Variation ID: 102556). Algorithms developed to predict the effect of sequence changes on RNA splicing suggest that this variant may disrupt the consensus splice site. For these reasons, this variant has been classified as Pathogenic.

Baylor Genetics
Classification: Pathogenic for Phenylketonuria. Last evaluated: 2023-07-26. Review status: criteria provided, single submitter. Criteria: ACMG Guidelines, 2015. Collection method: clinical testing. Allele origin: unknown. Not counted in ClinVar's aggregate classification.

Blueprint Genetics
Classification: Pathogenic for PAH-related disorders. Last evaluated: 2023-07-13. Review status: criteria provided, single submitter. Criteria: ACMG Guidelines, 2015. Collection method: clinical testing. Allele origin: germline. Affected: yes. Observed: 2 variant alleles. Not counted in ClinVar's aggregate classification.

Natera, Inc.
Classification: Pathogenic for Phenylketonuria. Last evaluated: 2020-09-16. Review status: no assertion criteria provided. Collection method: clinical testing. Allele origin: germline. Not counted in ClinVar's aggregate classification.

Counsyl
Classification: Likely pathogenic for Phenylketonuria. Last evaluated: 2017-07-18. Review status: no assertion criteria provided. Collection method: clinical testing. Allele origin: unknown. Not counted in ClinVar's aggregate classification.

DeBelle Laboratory for Biochemical Genetics, MUHC/MCH RESEARCH INSTITUTE
No classification provided. Review status: no classification provided. Collection method: not provided. Allele origin: not provided. Not counted in ClinVar's aggregate classification.

Literature cited by the submitters: PubMed 23357515 (cited by ClinGen PAH Variant Curation Expert Panel and Counsyl); PubMed 16199547 (cited by Labcorp Genetics (formerly Invitae), Labcorp); PubMed 1301187 (cited by Labcorp Genetics (formerly Invitae), Labcorp); PubMed 9634518 (cited by Labcorp Genetics (formerly Invitae), Labcorp); PubMed 30159852 (cited by Labcorp Genetics (formerly Invitae), Labcorp); PubMed 12655553 (cited by Counsyl); PubMed 25525159 (cited by Counsyl).